The following is an entry in ClinVar:

NC_000016.9:g.(?_14530574)_(14724045_?)dup

Gene: PARN (poly(A)-specific ribonuclease; minus strand). Cytogenetic location: 16p13.12.
Variant type: Duplication.
Identifiers: ClinVar variation 2424490 (VCV002424490.7).

ClinVar aggregate classification (germline): Uncertain significance (1 of 4 stars; one submission).

Conditions:
Dyskeratosis congenita, autosomal recessive 6 (DKCB6). Identifiers: MedGen C4225356, MONDO:0014600, OMIM 616353.
Pulmonary fibrosis and/or bone marrow failure, Telomere-related, 4. Also called: PULMONARY FIBROSIS AND/OR BONE MARROW FAILURE SYNDROME, TELOMERE-RELATED, 4. Identifiers: Orphanet 2032, MedGen C4225347, MONDO:0014612, OMIM 616371.

Submission:

Labcorp Genetics (formerly Invitae), Labcorp
Classification: Uncertain significance for Dyskeratosis congenita, autosomal recessive 6; Pulmonary fibrosis and/or bone marrow failure, Telomere-related, 4. Last evaluated: 2021-12-19. Review status: criteria provided, single submitter. Criteria: Invitae Variant Classification Sherloc (09022015). Collection method: clinical testing. Allele origin: germline.
Comment: A copy number gain of the genomic region encompassing the full coding sequence of the PARN gene has been identified. The boundaries of this event are unknown as they extend beyond the assayed region for this gene and therefore may encompass additional genes. As the precise location of this event is unknown, it may be in tandem or it may be located elsewhere in the genome. This variant has not been reported in the literature in individuals affected with PARN-related conditions. Experimental studies and prediction algorithms are not available or were not evaluated, and the functional significance of this variant is currently unknown. In summary, the available evidence is currently insufficient to determine the role of this variant in disease. Therefore, it has been classified as a Variant of Uncertain Significance.